The following is an entry in ClinVar:

NM_006922.4(SCN3A):c.5965G>A (p.Glu1989Lys)

Gene: SCN3A (sodium voltage-gated channel alpha subunit 3; minus strand). Cytogenetic location: 2q24.3.
Variant type: single nucleotide variant.
Coding change: c.5965G>A on transcript NM_006922.4 (MANE Select); coding-DNA position 5965, G replaced by A.
Protein change: p.Glu1989Lys; replaces glutamic acid 1989 with lysine.
Molecular consequence: missense variant.
Genome position (GRCh38, 1-based): chr2:165,090,188, C>T on the plus strand (G>A on the coding strand, the complement: SCN3A is on the minus strand). VCF-style: chr2-165090188-C-T. GRCh37 (hg19) VCF-style: chr2-165946698-C-T.
Other names: c.5818G>A, p.Glu1940Lys (NM_001081676.2, NM_001081677.2); short protein forms E1940K, E1989K.
Identifiers: ClinVar variation 2161211 (VCV002161211.4), dbSNP rs769926645, ClinGen allele CA1938327.

ClinVar aggregate classification (germline): Uncertain significance (1 of 4 stars; one submission).

Allele frequency attached by ClinVar (database versions not stated): gnomAD 0.00001; gnomAD exomes 0.00001; TOPMed 0.00002; ExAC 0.00006.
gnomAD v4.1: 17 of 1,598,382 alleles (0.0011%); highest among the groups gnomAD compares: Non-Finnish European, 0.0014%; no homozygotes.

Submission:

Labcorp Genetics (formerly Invitae), Labcorp
Classification: Uncertain significance. Last evaluated: 2025-04-18. Review status: criteria provided, single submitter. Criteria: Invitae Variant Classification Sherloc (09022015). Collection method: clinical testing. Allele origin: germline.
Comment: This sequence change replaces glutamic acid, which is acidic and polar, with lysine, which is basic and polar, at codon 1989 of the SCN3A protein (p.Glu1989Lys). This variant is present in population databases (rs769926645, gnomAD 0.006%). This variant has not been reported in the literature in individuals affected with SCN3A-related conditions. ClinVar contains an entry for this variant (Variation ID: 2161211). Invitae Evidence Modeling of protein sequence and biophysical properties (such as structural, functional, and spatial information, amino acid conservation, physicochemical variation, residue mobility, and thermodynamic stability) indicates that this missense variant is not expected to disrupt SCN3A protein function with a negative predictive value of 95%. In summary, the available evidence is currently insufficient to determine the role of this variant in disease. Therefore, it has been classified as a Variant of Uncertain Significance.